The following is an entry in ClinVar:

NM_153240.5(NPHP3):c.*759G>A

Genes: NPHP3 (nephrocystin 3; minus strand), NPHP3-ACAD11 (NPHP3-ACAD11 readthrough (NMD candidate); minus strand). Cytogenetic location: 3q22.1.
Variant type: single nucleotide variant.
Coding change: c.*759G>A on transcript NM_153240.5 (MANE Select); 759 bases downstream of the stop codon, G replaced by A.
Molecular consequence: 3 prime UTR variant.
Genome position (GRCh38, 1-based): chr3:132,681,151, C>T on the plus strand (G>A on the coding strand, the complement: NPHP3 is on the minus strand). VCF-style: chr3-132681151-C-T. GRCh37 (hg19) VCF-style: chr3-132399995-C-T.
Identifiers: ClinVar variation 343361 (VCV000343361.6), dbSNP rs116338839, ClinGen allele CA10614893.
Genomic context (GRCh38, chr3:132,681,151, plus strand): 5'-GTGACTAATGTGTTTCACTGAAGACAATTTGAATCGTTCATAAACATTAACCCTTTAATC[C>T]TTGAAACTTTCCTTTGAGGTAGAGAATTGGGCCAGACTACTGCTGAAAAGCAAGAGGAAT-3'

ClinVar aggregate classification (germline): Conflicting classifications of pathogenicity. Review status: criteria provided, conflicting classifications (1 of 4 stars). 4 submissions from 2 submitters: Uncertain significance (1); Benign (2); Likely benign (1). Last evaluated 2021-09-10.

Conditions:
Renal-hepatic-pancreatic dysplasia 1 (RHPD1). Identifiers: MedGen C3715199, MONDO:0008833, OMIM 208540.
NPHP3-related Meckel-like syndrome. Also called: GOLDSTON SYNDROME; Meckel syndrome type 7. Identifiers: Orphanet 3032, MedGen C2673885, MONDO:0009966, OMIM 267010.
Nephronophthisis 3 (NPHP3). Also called: Adolescent nephronophthisis. Identifiers: Orphanet 655, MedGen C1858392, MONDO:0011456, OMIM 604387.

Allele frequency attached by ClinVar (database versions not stated): gnomAD 0.00586 and 0.00632; 1000 Genomes Project 0.00639; TOPMed 0.00689; 1000 Genomes Project 30x 0.00734.

Submissions (4):

GeneDx
Classification: Likely benign. Last evaluated: 2021-09-10. Review status: criteria provided, single submitter. Criteria: GeneDx Variant Classification Process June 2021. Collection method: clinical testing. Allele origin: germline. Affected: yes.

Illumina Laboratory Services, Illumina
Classification: Uncertain significance for NPHP3-related Meckel-like syndrome. Last evaluated: 2018-01-12. Review status: criteria provided, single submitter. Criteria: ICSL Variant Classification Criteria 13 December 2019. Collection method: clinical testing. Allele origin: germline.

Illumina Laboratory Services, Illumina
Classification: Benign for Nephronophthisis 3. Last evaluated: 2018-01-12. Review status: criteria provided, single submitter. Criteria: ICSL Variant Classification Criteria 13 December 2019. Collection method: clinical testing. Allele origin: germline.
Comment: This variant was observed in the ICSL laboratory as part of a predisposition screen in an ostensibly healthy population. It had not been previously curated by ICSL or reported in the Human Gene Mutation Database (HGMD: prior to June 1st, 2018), and was therefore a candidate for classification through an automated scoring system. Utilizing variant allele frequency, disease prevalence and penetrance estimates, and inheritance mode, an automated score was calculated to assess if this variant is too frequent to cause the disease. Based on the score and internal cut-off values, a variant classified as benign is not then subjected to further curation. The score for this variant resulted in a classification of benign for this disease.

Illumina Laboratory Services, Illumina
Classification: Benign for Renal-hepatic-pancreatic dysplasia 1. Last evaluated: 2018-01-12. Review status: criteria provided, single submitter. Criteria: ICSL Variant Classification Criteria 13 December 2019. Collection method: clinical testing. Allele origin: germline.
Comment: the same text as in the submission from Illumina Laboratory Services, Illumina above.